The following is an entry in ClinVar:

ClinVar aggregate classification (germline): Benign/Likely benign. Review status: criteria provided, multiple submitters, no conflicts (2 of 4 stars). 4 submissions from 4 submitters: Benign (1); Likely benign (2). 1 of the submissions does not count toward it. Last evaluated 2026-09-01.

Conditions:
ADAM22-related disorder. Also called: ADAM22-related condition.

Allele frequency attached by ClinVar (database versions not stated): 1000 Genomes Project 0.00040; 1000 Genomes Project 30x 0.00047; ExAC 0.00163; gnomAD exomes 0.00183 and 0.00385; TOPMed 0.00187; gnomAD 0.00222 and 0.00238; ESP Exome Variant Server 0.00344.
gnomAD v4.1: 5,857 of 1,613,960 alleles (0.36%); highest among the groups gnomAD compares: Non-Finnish European, 0.47%; 17 homozygotes.

Submissions (4):

CeGaT Center for Human Genetics Tuebingen
Classification: Likely benign. Last evaluated: 2026-09-01. Review status: criteria provided, single submitter. Criteria: CeGaT Center For Human Genetics Tuebingen Variant Classification Criteria Version 2. Collection method: clinical testing. Allele origin: germline. Affected: yes. Observed: 9 variant alleles.
Comment: ADAM22: BP4, BS2

Blueprint Genetics
Classification: Likely benign. Last evaluated: 2024-11-20. Review status: criteria provided, single submitter. Criteria: ACMG Guidelines, 2015. Collection method: clinical testing. Allele origin: germline.

Labcorp Genetics (formerly Invitae), Labcorp
Classification: Benign. Last evaluated: 2019-12-31. Review status: criteria provided, single submitter. Criteria: Invitae Variant Classification Sherloc (09022015). Collection method: clinical testing. Allele origin: germline.

PreventionGenetics, part of Exact Sciences
Classification: Likely benign for ADAM22-related condition. Last evaluated: 2022-11-17. Review status: no assertion criteria provided. Collection method: clinical testing. Allele origin: germline. Not counted in ClinVar's aggregate classification.
Comment: This variant is classified as likely benign based on ACMG/AMP sequence variant interpretation guidelines (Richards et al. 2015 PMID: 25741868, with internal and published modifications).

NM_001324418.2(ADAM22):c.1618-7G>A

Gene: ADAM22 (ADAM metallopeptidase domain 22; plus strand). Cytogenetic location: 7q21.12.
Variant type: single nucleotide variant.
Coding change: c.1618-7G>A on transcript NM_001324418.2 (MANE Select); 7 bases into the intron before coding-DNA position 1618, G replaced by A.
Molecular consequence: intron variant.
Genome position (GRCh38, 1-based): chr7:88,151,250, G>A. VCF-style: chr7-88151250-G-A. GRCh37 (hg19) VCF-style: chr7-87780565-G-A.
Other names: c.1669-7G>A (NM_001391975.1, NM_001391980.1); c.1594-7G>A (NM_001391982.1); c.1618-7G>A (NM_001324420.2, NM_001391976.1, NM_021723.5 and 6 more transcripts); c.1615-7G>A (NM_001324419.2, NM_001391979.1, NM_001391978.1 and 2 more transcripts).
Identifiers: ClinVar variation 770740 (VCV000770740.30), dbSNP rs41278764, ClinGen allele CA4330610.